The following is an entry in ClinVar:

ClinVar aggregate classification (germline): Uncertain significance. Review status: criteria provided, multiple submitters, no conflicts (2 of 4 stars). 2 submissions from 2 submitters: Uncertain significance (2). Last evaluated 2025-06-16.

Conditions:
Epilepsy. Also called: Seizure disorder. Identifiers: MedGen C0014544, MeSH D004827, MONDO:0005027.
Inborn genetic diseases. Identifiers: MedGen C0950123, MeSH D030342.

Allele frequency attached by ClinVar (database versions not stated): gnomAD exomes below 0.00001; TOPMed 0.00001.
gnomAD v4.1: 4 of 1,609,240 alleles (0.00025%); highest among the groups gnomAD compares: Middle Eastern, 0.018%; no homozygotes.

Submissions (2):

Labcorp Genetics (formerly Invitae), Labcorp
Classification: Uncertain significance for Epilepsy. Last evaluated: 2025-06-16. Review status: criteria provided, single submitter. Criteria: Invitae Variant Classification Sherloc (09022015). Collection method: clinical testing. Allele origin: germline.
Comment: This sequence change replaces valine, which is neutral and non-polar, with methionine, which is neutral and non-polar, at codon 540 of the PIGQ protein (p.Val540Met). This variant is not present in population databases (gnomAD no frequency). This variant has not been reported in the literature in individuals affected with PIGQ-related conditions. ClinVar contains an entry for this variant (Variation ID: 1064067). An algorithm developed to predict the effect of missense changes on protein structure and function (PolyPhen-2) suggests that this variant is likely to be disruptive. In summary, the available evidence is currently insufficient to determine the role of this variant in disease. Therefore, it has been classified as a Variant of Uncertain Significance.

Ambry Genetics
Classification: Uncertain significance for Inborn genetic diseases. Last evaluated: 2024-09-24. Review status: criteria provided, single submitter. Criteria: Ambry Variant Classification Scheme 2023. Collection method: clinical testing. Allele origin: germline.

NM_004204.5(PIGQ):c.1618G>A (p.Val540Met)

Gene: PIGQ (phosphatidylinositol glycan anchor biosynthesis class Q; plus strand). Cytogenetic location: 16p13.3.
Variant type: single nucleotide variant.
Coding change: c.1618G>A on transcript NM_004204.5 (MANE Select); coding-DNA position 1618, G replaced by A.
Protein change: p.Val540Met; replaces valine 540 with methionine.
Molecular consequence: missense variant.
Genome position (GRCh38, 1-based): chr16:582,907, G>A. VCF-style: chr16-582907-G-A. GRCh37 (hg19) VCF-style: chr16-632907-G-A.
Other names: c.1556G>A, p.Arg519His (NM_148920.4); c.1556G>A (NM_148920.1); short protein forms R519H, V540M.
Identifiers: ClinVar variation 1064067 (VCV001064067.6), dbSNP rs1369795901, ClinGen allele CA394061017.
Genomic context (GRCh38, chr16:582,907, plus strand): 5'-AGACCACCCCACTGACCGCTGCCCTTGTCCTTCCAGATAAACCCACTGCCCTACAGCCGC[G>A]TGGTGCACACCTACCGCCTCCCCAGCTGTGGCTGCCACCCCAAGCACTCCTGGGGCGCCC-3'
Protein context (NP_004195.2, residues 530-550): MQINPLPYSR[Val540Met]VHTYRLPSCG